The following is an entry in ClinVar:

ClinVar aggregate classification (germline): Benign (0 of 4 stars; one submission).

Conditions:
DROSHA-related disorder. Also called: DROSHA-related condition.

Allele frequency attached by ClinVar (database versions not stated): ESP Exome Variant Server 0.20673; gnomAD exomes 0.20845; gnomAD 0.23130; TOPMed 0.23758; ExAC 0.24572; 1000 Genomes Project 30x 0.30294; 1000 Genomes Project 0.30691.
gnomAD v4.1: 341,169 of 1,613,412 alleles (21%); highest among the groups gnomAD compares: East Asian, 48%; 39,675 homozygotes.

Submission:

PreventionGenetics, part of Exact Sciences
Classification: Benign for DROSHA-related condition. Last evaluated: 2019-10-30. Review status: no assertion criteria provided. Collection method: clinical testing. Allele origin: germline.
Comment: This variant is classified as benign based on ACMG/AMP sequence variant interpretation guidelines (Richards et al. 2015 PMID: 25741868, with internal and published modifications).

NM_001382508.1(DROSHA):c.3765T>C (p.Asn1255=)

Gene: DROSHA (drosha ribonuclease III; minus strand). Cytogenetic location: 5p13.3.
Variant type: single nucleotide variant.
Coding change: c.3765T>C on transcript NM_001382508.1 (MANE Select); coding-DNA position 3765, T replaced by C.
Protein change: p.Asn1255=; no amino-acid change (asparagine 1255 retained).
Molecular consequence: synonymous variant.
Genome position (GRCh38, 1-based): chr5:31,409,145, A>G on the plus strand (T>C on the coding strand, the complement: DROSHA is on the minus strand). VCF-style: chr5-31409145-A-G. GRCh37 (hg19) VCF-style: chr5-31409252-A-G.
Other names: c.3654T>C, p.Asn1218= (NM_001100412.2); c.3765T>C, p.Asn1255= (NM_013235.5).
Identifiers: ClinVar variation 3060031 (VCV003060031.2), dbSNP rs2241337, ClinGen allele CA3217123.